The following is an entry in ClinVar:

NM_014633.5(CTR9):c.2696A>C (p.Lys899Thr)

Gene: CTR9 (CTR9 component of Paf1/RNA polymerase II complex; plus strand). Cytogenetic location: 11p15.4.
Variant type: single nucleotide variant.
Coding change: c.2696A>C on transcript NM_014633.5 (MANE Select); coding-DNA position 2696, A replaced by C.
Protein change: p.Lys899Thr; replaces lysine 899 with threonine.
Molecular consequence: missense variant.
Genome position (GRCh38, 1-based): chr11:10,773,242, A>C. VCF-style: chr11-10773242-A-C. GRCh37 (hg19) VCF-style: chr11-10794789-A-C.
Other names: c.2624A>C, p.Lys875Thr (NM_001346279.2); short protein forms K875T, K899T.
Identifiers: ClinVar variation 3770066 (VCV003770066.2).

ClinVar aggregate classification (germline): Uncertain significance (1 of 4 stars; one submission).

Submission:

GeneDx
Classification: Uncertain significance. Last evaluated: 2026-04-07. Review status: criteria provided, single submitter. Criteria: GeneDx Variant Classification Process June 2021. Collection method: clinical testing. Allele origin: germline.
Comment: Not observed at significant frequency in large population cohorts (gnomAD); In silico analysis suggests that this missense variant does not alter protein structure/function; Has not been previously published as pathogenic or benign to our knowledge